The following is an entry in ClinVar:

NM_016356.5(DCDC2):c.*10A>G

Gene: DCDC2 (doublecortin domain containing 2; minus strand). Cytogenetic location: 6p22.3.
Variant type: single nucleotide variant.
Coding change: c.*10A>G on transcript NM_016356.5 (MANE Select); 10 bases downstream of the stop codon, A replaced by G.
Molecular consequence: 3 prime UTR variant.
Genome position (GRCh38, 1-based): chr6:24,174,720, T>C on the plus strand (A>G on the coding strand, the complement: DCDC2 is on the minus strand). VCF-style: chr6-24174720-T-C. GRCh37 (hg19) VCF-style: chr6-24174948-T-C.
Other names: c.*10A>G (NM_001195610.2).
Identifiers: ClinVar variation 3044654 (VCV003044654.2), dbSNP rs1760863057, ClinGen allele CA2677514162.

ClinVar aggregate classification (germline): Likely benign (0 of 4 stars; one submission).

Conditions:
DCDC2-related disorder. Also called: DCDC2-related condition.

Allele frequency attached by ClinVar (database versions not stated): gnomAD exomes below 0.00001.
gnomAD v4.1: 1 of 1,593,830 alleles (0.000063%); highest among the groups gnomAD compares: Non-Finnish European, 0.000086%; no homozygotes.

Submission:

PreventionGenetics, part of Exact Sciences
Classification: Likely benign for DCDC2-related condition. Last evaluated: 2023-09-27. Review status: no assertion criteria provided. Collection method: clinical testing. Allele origin: germline.
Comment: This variant is classified as likely benign based on ACMG/AMP sequence variant interpretation guidelines (Richards et al. 2015 PMID: 25741868, with internal and published modifications).